The following is an entry in ClinVar:

NM_006267.5(RANBP2):c.7988G>C (p.Arg2663Thr)

Gene: RANBP2 (RAN binding protein 2; plus strand). Cytogenetic location: 2q13.
Variant type: single nucleotide variant.
Coding change: c.7988G>C on transcript NM_006267.5 (MANE Select); coding-DNA position 7988, G replaced by C.
Protein change: p.Arg2663Thr; replaces arginine 2663 with threonine.
Molecular consequence: missense variant.
Genome position (GRCh38, 1-based): chr2:108,771,839, G>C. VCF-style: chr2-108771839-G-C. GRCh37 (hg19) VCF-style: chr2-109388295-G-C.
Other names: c.8066G>C, p.Arg2689Thr (NM_001415871.1); c.7985G>C, p.Arg2662Thr (NM_001415872.1); c.7988G>C, p.Arg2663Thr (NM_001415873.1); short protein forms R2662T, R2663T, R2689T.
Identifiers: ClinVar variation 2501967 (VCV002501967.1), dbSNP rs2467675816, ClinGen allele CA348082354.

ClinVar aggregate classification (germline): Uncertain significance (1 of 4 stars; one submission).

Submission:

GeneDx
Classification: Uncertain significance. Last evaluated: 2022-11-09. Review status: criteria provided, single submitter. Criteria: GeneDx Variant Classification Process June 2021. Collection method: clinical testing. Allele origin: germline. Affected: yes.
Comment: Not observed at significant frequency in large population cohorts (gnomAD); In silico analysis supports that this missense variant does not alter protein structure/function; Has not been previously published as pathogenic or benign to our knowledge